The following is an entry in ClinVar:

NM_000112.4(SLC26A2):c.1996A>G (p.Thr666Ala)

Gene: SLC26A2 (solute carrier family 26 member 2; plus strand). Cytogenetic location: 5q32.
Variant type: single nucleotide variant.
Coding change: c.1996A>G on transcript NM_000112.4 (MANE Select); coding-DNA position 1996, A replaced by G.
Protein change: p.Thr666Ala; replaces threonine 666 with alanine.
Molecular consequence: missense variant.
Genome position (GRCh38, 1-based): chr5:149,981,589, A>G. VCF-style: chr5-149981589-A-G. GRCh37 (hg19) VCF-style: chr5-149361152-A-G.
Other names: short protein forms T666A.
Identifiers: ClinVar variation 64385 (VCV000064385.2), dbSNP rs387907490, ClinGen allele CA216025.

ClinVar aggregate classification (germline): Uncertain significance (0 of 4 stars; one submission).

Submission:

Martin Pollak Laboratory,  Beth Israel Deaconess Medical Center
Classification: Uncertain significance. Review status: no assertion criteria provided. Collection method: not provided. Allele origin: unknown.
Comment: Higher UCa2+ group
ClinVar note: Converted during submission from unknown to Uncertain significance.